The following is an entry in ClinVar:

NM_014915.3(ANKRD26):c.224A>G (p.Asp75Gly)

Gene: ANKRD26 (ankyrin repeat domain containing 26; minus strand). Cytogenetic location: 10p12.1.
Variant type: single nucleotide variant.
Coding change: c.224A>G on transcript NM_014915.3 (MANE Select); coding-DNA position 224, A replaced by G.
Protein change: p.Asp75Gly; replaces aspartic acid 75 with glycine.
Molecular consequence: missense variant.
Genome position (GRCh38, 1-based): chr10:27,100,103, T>C on the plus strand (A>G on the coding strand, the complement: ANKRD26 is on the minus strand). VCF-style: chr10-27100103-T-C. GRCh37 (hg19) VCF-style: chr10-27389032-T-C.
Other names: c.224A>G, p.Asp75Gly (NM_001256053.2); short protein forms D75G.
Identifiers: ClinVar variation 4103881 (VCV004103881.1).

ClinVar aggregate classification (germline): Uncertain significance (1 of 4 stars; one submission).

Conditions:
Inborn genetic diseases. Identifiers: MedGen C0950123, MeSH D030342.

Submission:

Ambry Genetics
Classification: Uncertain significance for Inborn genetic diseases. Last evaluated: 2025-07-28. Review status: criteria provided, single submitter. Criteria: Ambry Variant Classification Scheme 2023. Collection method: clinical testing. Allele origin: germline.
Comment: The p.D75G variant (also known as c.224A>G), located in coding exon 1 of the ANKRD26 gene, results from an A to G substitution at nucleotide position 224. The aspartic acid at codon 75 is replaced by glycine, an amino acid with similar properties. This amino acid position is conserved. In addition, this alteration is predicted to be tolerated by in silico analysis. Based on the available evidence, the clinical significance of this variant remains unclear.